The following is an entry in ClinVar:

NM_032608.7(MYO18B):c.1076G>A (p.Ser359Asn)

Gene: MYO18B (myosin XVIIIB; plus strand). Cytogenetic location: 22q12.1.
Variant type: single nucleotide variant.
Coding change: c.1076G>A on transcript NM_032608.7 (MANE Select); coding-DNA position 1076, G replaced by A.
Protein change: p.Ser359Asn; replaces serine 359 with asparagine.
Molecular consequence: missense variant.
Genome position (GRCh38, 1-based): chr22:25,768,992, G>A. VCF-style: chr22-25768992-G-A. GRCh37 (hg19) VCF-style: chr22-26164959-G-A.
Other names: c.1076G>A, p.Ser359Asn (NM_001318245.2); short protein forms S359N.
Identifiers: ClinVar variation 1499704 (VCV001499704.4), dbSNP rs1472894019, ClinGen allele CA411004083.

ClinVar aggregate classification (germline): Uncertain significance (1 of 4 stars; one submission).

Allele frequency attached by ClinVar (database versions not stated): gnomAD exomes below 0.00001; TOPMed 0.00001.
gnomAD v4.1: 2 of 1,611,284 alleles (0.00012%); highest among the groups gnomAD compares: Admixed American, 0.0017%; no homozygotes.

Submission:

Labcorp Genetics (formerly Invitae), Labcorp
Classification: Uncertain significance. Last evaluated: 2022-11-22. Review status: criteria provided, single submitter. Criteria: Invitae Variant Classification Sherloc (09022015). Collection method: clinical testing. Allele origin: germline.
Comment: In summary, the available evidence is currently insufficient to determine the role of this variant in disease. Therefore, it has been classified as a Variant of Uncertain Significance. Algorithms developed to predict the effect of missense changes on protein structure and function output the following: SIFT: "Not Available"; PolyPhen-2: "Benign"; Align-GVGD: "Not Available". The asparagine amino acid residue is found in multiple mammalian species, which suggests that this missense change does not adversely affect protein function. ClinVar contains an entry for this variant (Variation ID: 1499704). This variant has not been reported in the literature in individuals affected with MYO18B-related conditions. The frequency data for this variant in the population databases is considered unreliable, as metrics indicate poor data quality at this position in the gnomAD database. This sequence change replaces serine, which is neutral and polar, with asparagine, which is neutral and polar, at codon 359 of the MYO18B protein (p.Ser359Asn).